The following is an entry in ClinVar:

NM_001005242.3(PKP2):c.1750C>T (p.Gln584Ter)

Gene: PKP2 (plakophilin 2; minus strand). Cytogenetic location: 12p11.21.
Variant type: single nucleotide variant.
Coding change: c.1750C>T on transcript NM_001005242.3 (MANE Select); coding-DNA position 1750, C replaced by T.
Protein change: p.Gln584Ter; replaces glutamine 584 with a stop codon.
Molecular consequence: nonsense.
Genome position (GRCh38, 1-based): chr12:32,822,556, G>A on the plus strand (C>T on the coding strand, the complement: PKP2 is on the minus strand). VCF-style: chr12-32822556-G-A. GRCh37 (hg19) VCF-style: chr12-32975490-G-A.
Other names: c.1882C>T, p.Gln628Ter (NM_004572.4); short protein forms Q584*, Q628*.
Identifiers: ClinVar variation 1412205 (VCV001412205.6), dbSNP rs2137777670, ClinGen allele CA384363197.

ClinVar aggregate classification (germline): Pathogenic (1 of 4 stars; one submission).

Conditions:
Arrhythmogenic right ventricular dysplasia 9 (ARVD9). Also called: Arrhythmogenic Right Ventricular Dysplasia/Cardiomyopathy 9; ARRHYTHMOGENIC RIGHT VENTRICULAR DYSPLASIA, FAMILIAL, 9. Identifiers: MedGen C1836906, MONDO:0012180, OMIM 609040.

Submission:

Labcorp Genetics (formerly Invitae), Labcorp
Classification: Pathogenic for Arrhythmogenic right ventricular dysplasia 9. Last evaluated: 2022-06-27. Review status: criteria provided, single submitter. Criteria: Invitae Variant Classification Sherloc (09022015). Collection method: clinical testing. Allele origin: germline.
Comment: This sequence change creates a premature translational stop signal (p.Gln628*) in the PKP2 gene. It is expected to result in an absent or disrupted protein product. Loss-of-function variants in PKP2 are known to be pathogenic (PMID: 15489853, 23911551). This variant is not present in population databases (gnomAD no frequency). This variant has not been reported in the literature in individuals affected with PKP2-related conditions. For these reasons, this variant has been classified as Pathogenic.

Literature cited by the submitters: PubMed 15489853; PubMed 23911551.